The following is an entry in ClinVar:

ClinVar aggregate classification (germline): Pathogenic (1 of 4 stars; one submission).

Conditions:
Hypertrophic cardiomyopathy 26. Also called: Cardiomyopathy, familial hypertrophic, 26. Identifiers: Orphanet 75249, MedGen C4310749, MONDO:0014883, OMIM 617047.
Myofibrillar myopathy 5. Also called: Filaminopathy (type); FILAMINOPATHY, AUTOSOMAL DOMINANT. Identifiers: Orphanet 171445, MedGen C1836050, MONDO:0012289, OMIM 609524.
Distal myopathy with posterior leg and anterior hand involvement. Also called: WILLIAMS DISTAL MYOPATHY. Identifiers: Orphanet 63273, MedGen C3279722, MONDO:0013550, OMIM 614065.

Submission:

Labcorp Genetics (formerly Invitae), Labcorp
Classification: Pathogenic for Distal myopathy with posterior leg and anterior hand involvement; Myofibrillar myopathy 5; Hypertrophic cardiomyopathy 26. Last evaluated: 2025-10-13. Review status: criteria provided, single submitter. Criteria: Invitae Variant Classification Sherloc (09022015). Collection method: clinical testing. Allele origin: germline.
Comment: This sequence change creates a premature translational stop signal (p.Val1178Glyfs*13) in the FLNC gene. It is expected to result in an absent or disrupted protein product. Loss-of-function variants in FLNC are known to be pathogenic (PMID: 27908349). This variant is not present in population databases (gnomAD no frequency). This variant has not been reported in the literature in individuals affected with FLNC-related conditions. For these reasons, this variant has been classified as Pathogenic.

Literature cited by the submitters: PubMed 27908349.

NM_001458.5(FLNC):c.3533_3534del (p.Val1178fs)

Gene: FLNC (filamin C; plus strand). Cytogenetic location: 7q32.1.
Variant type: Microsatellite.
Coding change: c.3533_3534del on transcript NM_001458.5 (MANE Select); coding-DNA positions 3533 to 3534, 2 bases deleted (TG; older notation c.3533_3534delTG).
Protein change: p.Val1178fs; shifts the reading frame from valine 1178.
Molecular consequence: frameshift variant.
Genome position (GRCh38, 1-based): chr7:128,844,998-128,844,999, TG deleted; deleting any 2 consecutive bases within chr7:128,844,996-128,844,999 gives the same sequence; the c. name uses the placement nearest the transcript's 3' end. VCF-style (leftmost placement, unchanged base first): chr7-128844995-CTG-C. GRCh37 (hg19) VCF-style: chr7-128485049-CTG-C.
Other names: c.3533_3534del, p.Val1178fs (NM_001127487.2); short protein forms V1178fs.
Identifiers: ClinVar variation 4812537 (VCV004812537.1).